The following is an entry in ClinVar:

ClinVar aggregate classification (germline): Pathogenic (1 of 4 stars; one submission).

Submission:

Labcorp Genetics (formerly Invitae), Labcorp
Classification: Pathogenic. Last evaluated: 2023-10-03. Review status: criteria provided, single submitter. Criteria: Invitae Variant Classification Sherloc (09022015). Collection method: clinical testing. Allele origin: germline.
Comment: This sequence change creates a premature translational stop signal (p.Pro1314Leufs*144) in the COL11A1 gene. It is expected to result in an absent or disrupted protein product. Loss-of-function variants in COL11A1 are known to be pathogenic (PMID: 20513134, 21035103, 23922384, 25240749, 32427345, 32756486). This variant is not present in population databases (gnomAD no frequency). This variant has not been reported in the literature in individuals affected with COL11A1-related conditions. ClinVar contains an entry for this variant (Variation ID: 2134276). For these reasons, this variant has been classified as Pathogenic.

Literature cited by the submitters: PubMed 20513134; PubMed 21035103; PubMed 23922384; PubMed 25240749; PubMed 32427345; PubMed 32756486.

NM_001854.4(COL11A1):c.3939del (p.Pro1314fs)

Gene: COL11A1 (collagen type XI alpha 1 chain; minus strand). Cytogenetic location: 1p21.1.
Variant type: Deletion.
Coding change: c.3939del on transcript NM_001854.4 (MANE Select); coding-DNA position 3939, one base deleted (T; older notation c.3939delT).
Protein change: p.Pro1314fs; shifts the reading frame from proline 1314.
Molecular consequence: frameshift variant. On other transcripts: non-coding transcript variant (1).
Genome position (GRCh38, 1-based): chr1:102,914,391, A deleted on the plus strand (T on the coding strand, the reverse complement: COL11A1 is on the minus strand); the first of 4 consecutive A bases (chr1:102,914,391-102,914,394); deleting any one gives the same sequence. VCF-style (leftmost placement, unchanged base first): chr1-102914390-GA-G. GRCh37 (hg19) VCF-style: chr1-103379946-GA-G.
Other names: c.3588delT, p.Pro1198Leufs (NM_001168249.1); c.3822del, p.Pro1275fs (NM_001190709.2); c.3975del, p.Pro1326fs (NM_080629.3); c.3591del, p.Pro1198fs (NM_080630.4); short protein forms P1198fs, P1314fs, P1275fs, P1326fs.
Identifiers: ClinVar variation 2134276 (VCV002134276.4), dbSNP rs2524479569, ClinGen allele CA2580060697.